The following is an entry in ClinVar:

NM_152744.4(SDK1):c.2426G>A (p.Arg809His)

Gene: SDK1 (sidekick cell adhesion molecule 1; plus strand). Cytogenetic location: 7p22.2.
Variant type: single nucleotide variant.
Coding change: c.2426G>A on transcript NM_152744.4 (MANE Select); coding-DNA position 2426, G replaced by A.
Protein change: p.Arg809His; replaces arginine 809 with histidine.
Molecular consequence: missense variant.
Genome position (GRCh38, 1-based): chr7:4,017,176, G>A. VCF-style: chr7-4017176-G-A. GRCh37 (hg19) VCF-style: chr7-4056808-G-A.
Other names: short protein forms R809H.
Identifiers: ClinVar variation 4828315 (VCV004828315.1).

ClinVar aggregate classification (germline): Uncertain significance (1 of 4 stars; one submission).

gnomAD v4.1: 17 of 1,609,320 alleles (0.0011%); highest among the groups gnomAD compares: Middle Eastern, 0.017%; no homozygotes.

Submission:

Ambry Genetics
Classification: Uncertain significance. Last evaluated: 2025-12-31. Review status: criteria provided, single submitter. Criteria: Ambry Variant Classification Scheme 2023. Collection method: clinical testing. Allele origin: germline.
Comment: The c.2426G>A (p.R809H) alteration is located in exon 17 (coding exon 17) of the SDK1 gene. This alteration results from a G to A substitution at nucleotide position 2426, causing the arginine (R) at amino acid position 809 to be replaced by a histidine (H). Based on data from gnomAD, the A allele has an overall frequency of 0.002% (5/278552) total alleles studied. The highest observed frequency was 0.01% (2/19842) of East Asian alleles. Based on insufficient or conflicting evidence, the clinical significance of this alteration remains unclear.